The following is an entry in ClinVar:

ClinVar aggregate classification (germline): Uncertain significance. Review status: criteria provided, multiple submitters, no conflicts (2 of 4 stars). 3 submissions from 3 submitters: Uncertain significance (3). Last evaluated 2025-05-27.

Conditions:
Inborn genetic diseases. Identifiers: MedGen C0950123, MeSH D030342.

Allele frequency attached by ClinVar (database versions not stated): gnomAD 0.00021 and 0.00015; ESP Exome Variant Server 0.00025; gnomAD exomes 0.00007; ExAC 0.00008; TOPMed 0.00028.

Submissions (3):

Labcorp Genetics (formerly Invitae), Labcorp
Classification: Uncertain significance. Last evaluated: 2025-05-27. Review status: criteria provided, single submitter. Criteria: Invitae Variant Classification Sherloc (09022015). Collection method: clinical testing. Allele origin: germline.
Comment: This sequence change replaces arginine, which is basic and polar, with glutamine, which is neutral and polar, at codon 513 of the ROBO1 protein (p.Arg513Gln). This variant is present in population databases (rs199654768, gnomAD 0.01%). This variant has not been reported in the literature in individuals affected with ROBO1-related conditions. ClinVar contains an entry for this variant (Variation ID: 1316484). Invitae Evidence Modeling of protein sequence and biophysical properties (such as structural, functional, and spatial information, amino acid conservation, physicochemical variation, residue mobility, and thermodynamic stability) indicates that this missense variant is not expected to disrupt ROBO1 protein function with a negative predictive value of 95%. In summary, the available evidence is currently insufficient to determine the role of this variant in disease. Therefore, it has been classified as a Variant of Uncertain Significance.

Ambry Genetics
Classification: Uncertain significance for Inborn genetic diseases. Last evaluated: 2021-07-15. Review status: criteria provided, single submitter. Criteria: Ambry Variant Classification Scheme 2023. Collection method: clinical testing. Allele origin: germline.

GeneDx
Classification: Uncertain significance. Last evaluated: 2019-04-17. Review status: criteria provided, single submitter. Criteria: GeneDx Variant Classification Process June 2021. Collection method: clinical testing. Allele origin: germline. Affected: yes.
Comment: In silico analysis, which includes protein predictors and evolutionary conservation, supports that this variant does not alter protein structure/function; Has not been previously published as pathogenic or benign to our knowledge; Variants in candidate genes are classified as variants of uncertain significance in accordance with ACMG guidelines (Richards et al., 2015)

NM_002941.4(ROBO1):c.1538G>A (p.Arg513Gln)

Gene: ROBO1 (roundabout guidance receptor 1; minus strand). Cytogenetic location: 3p12.3.
Variant type: single nucleotide variant.
Coding change: c.1538G>A on transcript NM_002941.4 (MANE Select); coding-DNA position 1538, G replaced by A.
Protein change: p.Arg513Gln; replaces arginine 513 with glutamine.
Molecular consequence: missense variant.
Genome position (GRCh38, 1-based): chr3:78,670,106, C>T on the plus strand (G>A on the coding strand, the complement: ROBO1 is on the minus strand). VCF-style: chr3-78670106-C-T. GRCh37 (hg19) VCF-style: chr3-78719256-C-T.
Other names: c.1430G>A, p.Arg477Gln (NM_001145845.2, NM_133631.4); short protein forms R477Q, R513Q.
Identifiers: ClinVar variation 1316484 (VCV001316484.6), dbSNP rs199654768, ClinGen allele CA2498946.